The following is an entry in ClinVar:

NM_005562.3(LAMC2):c.1043del (p.Ile348fs)

Gene: LAMC2 (laminin subunit gamma 2; plus strand). Cytogenetic location: 1q25.3.
Variant type: Deletion.
Coding change: c.1043del on transcript NM_005562.3 (MANE Select); coding-DNA position 1043, one base deleted (T; older notation c.1043delT).
Protein change: p.Ile348fs; shifts the reading frame from isoleucine 348.
Molecular consequence: frameshift variant.
Genome position (GRCh38, 1-based): chr1:183,225,697, T deleted. VCF-style (leftmost placement, unchanged base first): chr1-183225696-AT-A. GRCh37 (hg19) VCF-style: chr1-183194831-AT-A.
Other names: c.1043del, p.Ile348fs (NM_018891.3); short protein forms I348fs.
Identifiers: ClinVar variation 1333523 (VCV001333523.1), dbSNP rs2102228301, ClinGen allele CA2573051437.

ClinVar aggregate classification (germline): Pathogenic (1 of 4 stars; one submission).

Conditions:
Junctional epidermolysis bullosa, non-Herlitz type. Also called: EPIDERMOLYSIS BULLOSA JUNCTIONALIS, DISENTIS TYPE; EPIDERMOLYSIS BULLOSA JUNCTIONALIS, NON-HERLITZ TYPE; EPIDERMOLYSIS BULLOSA JUNCTIONALIS, PROGRESSIVE; EPIDERMOLYSIS BULLOSA JUNCTIONALIS, SEVERE NONLETHAL; EPIDERMOLYSIS BULLOSA, JUNCTIONAL 1A, INTERMEDIATE; COL17A1-Related Junctional Epidermolysis Bullosa. Identifiers: Orphanet 251393, Orphanet 79402, Orphanet 79405, Orphanet 89840, MedGen C0268374, MONDO:0009180, OMIM 226650.

Submission:

3billion
Classification: Pathogenic for Junctional epidermolysis bullosa, non-Herlitz type. Last evaluated: 2022-01-03. Review status: criteria provided, single submitter. Criteria: ACMG Guidelines, 2015. Collection method: clinical testing. Allele origin: germline. Affected: yes. Observed: 1 homozygote.
Comment: Frameshift: predicted to result in a loss or disruption of normal protein function through nonsense-mediated decay (NMD) or protein truncation. Multiple pathogenic variants are reported downstream of the variant (PVS1_VS). It is not observed in the gnomAD v2.1.1 dataset (PM2_M). Therefore, this variant is classified as pathogenic according to the recommendation of ACMG/AMP guideline.